The following is an entry in ClinVar:

ClinVar aggregate classification (germline): Conflicting classifications of pathogenicity. Review status: criteria provided, conflicting classifications (1 of 4 stars). 2 submissions from 2 submitters: Uncertain significance (1); Likely benign (1). Last evaluated 2025-06-19.

Conditions:
Arthrogryposis, renal dysfunction, and cholestasis 1 (ARCS1). Identifiers: Orphanet 2697, MedGen C1859722, MONDO:0008822, OMIM 208085.
VPS33B-related disorder. Also called: VPS33B-related condition.

Allele frequency attached by ClinVar (database versions not stated): TOPMed 0.00001; ExAC 0.00002; gnomAD exomes 0.00002 and 0.00003.

Submissions (2):

PreventionGenetics, part of Exact Sciences
Classification: Likely benign for VPS33B-related condition. Last evaluated: 2025-06-19. Review status: criteria provided, single submitter. Criteria: ACMG Guidelines, 2015. Collection method: clinical testing. Allele origin: germline.
Comment: This variant is classified as likely benign based on ACMG/AMP sequence variant interpretation guidelines (Richards et al. 2015 PMID: 25741868, with internal and published modifications).

Illumina Laboratory Services, Illumina
Classification: Uncertain significance for Arthrogryposis, renal dysfunction, and cholestasis 1. Last evaluated: 2018-01-12. Review status: criteria provided, single submitter. Criteria: ICSL Variant Classification Criteria 13 December 2019. Collection method: clinical testing. Allele origin: germline.

NM_018668.5(VPS33B):c.*10C>T

Gene: VPS33B (VPS33B late endosome and lysosome associated; minus strand). Cytogenetic location: 15q26.1.
Variant type: single nucleotide variant.
Coding change: c.*10C>T on transcript NM_018668.5 (MANE Select); 10 bases downstream of the stop codon, C replaced by T.
Molecular consequence: 3 prime UTR variant.
Genome position (GRCh38, 1-based): chr15:90,998,965, G>A on the plus strand (C>T on the coding strand, the complement: VPS33B is on the minus strand). VCF-style: chr15-90998965-G-A. GRCh37 (hg19) VCF-style: chr15-91542195-G-A.
Other names: c.*10C>T (NM_018668.4, NM_001289148.1, NM_001289149.1).
Identifiers: ClinVar variation 885503 (VCV000885503.5), dbSNP rs759825013, ClinGen allele CA7744479.
Genomic context (GRCh38, chr15:90,998,965, plus strand): 5'-GGGTGCCAGATGCCTGCATCTCACTGAGGAATGTGTTCAGGGAAGATGTCAACACTGGCC[G>A]GGAAAAACATCAGGCTTTCACCTCACTCATGGCCTCCATAAGGCGAGCGCTGTTTGTGAC-3'